The following is an entry in ClinVar:

NM_006231.4(POLE):c.6013G>T (p.Val2005Leu)

Gene: POLE (DNA polymerase epsilon, catalytic subunit; minus strand). Cytogenetic location: 12q24.33.
Variant type: single nucleotide variant.
Coding change: c.6013G>T on transcript NM_006231.4 (MANE Select); coding-DNA position 6013, G replaced by T.
Protein change: p.Val2005Leu; replaces valine 2005 with leucine.
Molecular consequence: missense variant.
Genome position (GRCh38, 1-based): chr12:132,632,787, C>A on the plus strand (G>T on the coding strand, the complement: POLE is on the minus strand). VCF-style: chr12-132632787-C-A. GRCh37 (hg19) VCF-style: chr12-133209373-C-A.
Other names: c.6013G>T (NM_006231.2); short protein forms V2005L.
Identifiers: ClinVar variation 405818 (VCV000405818.12), dbSNP rs1060500812, ClinGen allele CA16613551.

ClinVar aggregate classification (germline): Uncertain significance. Review status: criteria provided, multiple submitters, no conflicts (2 of 4 stars). 3 submissions from 3 submitters: Uncertain significance (3). Last evaluated 2025-12-24.

Conditions:
Hereditary cancer-predisposing syndrome. Also called: Hereditary Cancer Syndrome; Hereditary neoplastic syndrome; Neoplastic Syndromes, Hereditary; Tumor predisposition. Identifiers: Orphanet 140162, MedGen C0027672, MeSH D009386, MONDO:0015356.

Submissions (3):

Labcorp Genetics (formerly Invitae), Labcorp
Classification: Uncertain significance. Last evaluated: 2025-12-24. Review status: criteria provided, single submitter. Criteria: Invitae Variant Classification Sherloc (09022015). Collection method: clinical testing. Allele origin: germline.
Comment: This sequence change replaces valine, which is neutral and non-polar, with leucine, which is neutral and non-polar, at codon 2005 of the POLE protein (p.Val2005Leu). This variant is not present in population databases (gnomAD no frequency). This variant has not been reported in the literature in individuals affected with POLE-related conditions. ClinVar contains an entry for this variant (Variation ID: 405818). Invitae Evidence Modeling of protein sequence and biophysical properties (such as structural, functional, and spatial information, amino acid conservation, physicochemical variation, residue mobility, and thermodynamic stability) indicates that this missense variant is not expected to disrupt POLE protein function with a negative predictive value of 80%. In summary, the available evidence is currently insufficient to determine the role of this variant in disease. Therefore, it has been classified as a Variant of Uncertain Significance.

Ambry Genetics
Classification: Uncertain significance for Hereditary cancer-predisposing syndrome. Last evaluated: 2024-04-26. Review status: criteria provided, single submitter. Criteria: Ambry Variant Classification Scheme 2023. Collection method: clinical testing. Allele origin: germline.
Comment: The p.V2005L variant (also known as c.6013G>T), located in coding exon 44 of the POLE gene, results from a G to T substitution at nucleotide position 6013. The valine at codon 2005 is replaced by leucine, an amino acid with highly similar properties. This amino acid position is conserved. In addition, this alteration is predicted to be tolerated by in silico analysis. Based on the available evidence, the clinical significance of this variant remains unclear.

GeneDx
Classification: Uncertain significance. Last evaluated: 2023-04-11. Review status: criteria provided, single submitter. Criteria: GeneDx Variant Classification Process June 2021. Collection method: clinical testing. Allele origin: germline. Affected: yes.
Comment: Not observed at significant frequency in large population cohorts (gnomAD); In silico analysis supports that this missense variant does not alter protein structure/function; Has not been previously published as pathogenic or benign to our knowledge